The following is an entry in ClinVar:

ClinVar aggregate classification (germline): Uncertain significance (1 of 4 stars; one submission).

Submission:

Women's Health and Genetics/Laboratory Corporation of America, LabCorp
Classification: Uncertain significance. Last evaluated: 2024-06-11. Review status: criteria provided, single submitter. Criteria: LabCorp Variant Classification Summary - May 2015. Collection method: clinical testing. Allele origin: germline.
Comment: Variant summary: PEX1 c.1976T>A (p.Val659Asp) results in a non-conservative amino acid change located in the AAA+ ATPase domain (IPR003593) of the encoded protein sequence. Five of five in-silico tools predict a damaging effect of the variant on protein function. The variant was absent in 251264 control chromosomes. The available data on variant occurrences in the general population are insufficient to allow any conclusion about variant significance. c.1976T>A has been reported in the literature in individuals affected with Zellweger Syndrome (Ebberink_2011). These report(s) do not provide unequivocal conclusions about association of the variant with Zellweger Syndrome. To our knowledge, no experimental evidence demonstrating an impact on protein function has been reported. The following publication have been ascertained in the context of this evaluation (PMID: 21031596). No submitters have cited clinical-significance assessments for this variant to ClinVar. Based on the evidence outlined above, the variant was classified as uncertain significance.

Literature cited by the submitters: PubMed 21031596.

NM_000466.3(PEX1):c.1976T>A (p.Val659Asp)

Gene: PEX1 (peroxisomal biogenesis factor 1; minus strand). Cytogenetic location: 7q21.2.
Variant type: single nucleotide variant.
Coding change: c.1976T>A on transcript NM_000466.3 (MANE Select); coding-DNA position 1976, T replaced by A.
Protein change: p.Val659Asp; replaces valine 659 with aspartic acid.
Molecular consequence: missense variant. On other transcripts: intron variant (1).
Genome position (GRCh38, 1-based): chr7:92,504,827, A>T on the plus strand (T>A on the coding strand, the complement: PEX1 is on the minus strand). VCF-style: chr7-92504827-A-T. GRCh37 (hg19) VCF-style: chr7-92134141-A-T.
Other names: c.1352T>A, p.Val451Asp (NM_001282678.2); c.1900+1421T>A (NM_001282677.2); short protein forms V451D, V659D.
Identifiers: ClinVar variation 3339609 (VCV003339609.1).